The following is an entry in ClinVar:

NM_000334.4(SCN4A):c.3286G>A (p.Ala1096Thr)

Genes: GH-LCR (growth hormone locus control region; plus strand), SCN4A (sodium voltage-gated channel alpha subunit 4; minus strand). Cytogenetic location: 17q23.3.
Variant type: single nucleotide variant.
Coding change: c.3286G>A on transcript NM_000334.4 (MANE Select); coding-DNA position 3286, G replaced by A.
Protein change: p.Ala1096Thr; replaces alanine 1096 with threonine.
Molecular consequence: missense variant.
Genome position (GRCh38, 1-based): chr17:63,947,922, C>T on the plus strand (G>A on the coding strand, the complement: SCN4A is on the minus strand). VCF-style: chr17-63947922-C-T. GRCh37 (hg19) VCF-style: chr17-62025282-C-T.
Other names: short protein forms A1096T.
Identifiers: ClinVar variation 4802699 (VCV004802699.1).

ClinVar aggregate classification (germline): Uncertain significance (1 of 4 stars; one submission).

Conditions:
Hyperkalemic periodic paralysis. Also called: Familial hyperkalemic periodic paralysis; Gamstorp disease. Identifiers: Orphanet 682, MedGen C0238357, MONDO:0008224, OMIM 170500, HP:0007215.

gnomAD v4.1: 9 of 1,613,676 alleles (0.00056%); highest among the groups gnomAD compares: African/African-American, 0.0013%; no homozygotes.

Submission:

Labcorp Genetics (formerly Invitae), Labcorp
Classification: Uncertain significance for Hyperkalemic periodic paralysis. Last evaluated: 2026-01-18. Review status: criteria provided, single submitter. Criteria: Invitae Variant Classification Sherloc (09022015). Collection method: clinical testing. Allele origin: germline.
Comment: This sequence change replaces alanine, which is neutral and non-polar, with threonine, which is neutral and polar, at codon 1096 of the SCN4A protein (p.Ala1096Thr). This variant is present in population databases (rs766002690, gnomAD 0.01%). This variant has not been reported in the literature in individuals affected with SCN4A-related conditions. Invitae Evidence Modeling of protein sequence and biophysical properties (such as structural, functional, and spatial information, amino acid conservation, physicochemical variation, residue mobility, and thermodynamic stability) has been performed for this missense variant. However, the output from this modeling did not meet the statistical confidence thresholds required to predict the impact of this variant on SCN4A protein function. In summary, the available evidence is currently insufficient to determine the role of this variant in disease. Therefore, it has been classified as a Variant of Uncertain Significance.